The following is an entry in ClinVar:

ClinVar aggregate classification (germline): Uncertain significance. Review status: criteria provided, multiple submitters, no conflicts (2 of 4 stars). 2 submissions from 2 submitters: Uncertain significance (2). Last evaluated 2023-10-27.

Conditions:
Brugada syndrome 6 (BRGDA6). Identifiers: Orphanet 130, MedGen C2751089, MONDO:0013145, OMIM 613119.
Cardiovascular phenotype. Identifiers: MedGen CN230736.

Allele frequency attached by ClinVar (database versions not stated): gnomAD exomes below 0.00001.
gnomAD v4.1: 1 of 1,613,908 alleles (0.000062%); highest among the groups gnomAD compares: Admixed American, 0.0017%; no homozygotes.

Submissions (2):

Ambry Genetics
Classification: Uncertain significance for Cardiovascular phenotype. Last evaluated: 2023-10-27. Review status: criteria provided, single submitter. Criteria: Ambry Variant Classification Scheme 2023. Collection method: clinical testing. Allele origin: germline.
Comment: The p.V85A variant (also known as c.254T>C), located in coding exon 1 of the KCNE3 gene, results from a T to C substitution at nucleotide position 254. The valine at codon 85 is replaced by alanine, an amino acid with similar properties. This amino acid position is conserved. In addition, the in silico prediction for this alteration is inconclusive. Since supporting evidence is limited at this time, the clinical significance of this alteration remains unclear.

Labcorp Genetics (formerly Invitae), Labcorp
Classification: Uncertain significance for Brugada syndrome 6. Last evaluated: 2022-01-01. Review status: criteria provided, single submitter. Criteria: Invitae Variant Classification Sherloc (09022015). Collection method: clinical testing. Allele origin: germline.
Comment: This sequence change replaces valine, which is neutral and non-polar, with alanine, which is neutral and non-polar, at codon 85 of the KCNE3 protein (p.Val85Ala). This variant is not present in population databases (gnomAD no frequency). This variant has not been reported in the literature in individuals affected with KCNE3-related conditions. Algorithms developed to predict the effect of missense changes on protein structure and function (SIFT, PolyPhen-2, Align-GVGD) all suggest that this variant is likely to be disruptive. In summary, the available evidence is currently insufficient to determine the role of this variant in disease. Therefore, it has been classified as a Variant of Uncertain Significance.

NM_005472.5(KCNE3):c.254T>C (p.Val85Ala)

Gene: KCNE3 (potassium voltage-gated channel subfamily E regulatory subunit 3; minus strand). Cytogenetic location: 11q13.4.
Variant type: single nucleotide variant.
Coding change: c.254T>C on transcript NM_005472.5 (MANE Select); coding-DNA position 254, T replaced by C.
Protein change: p.Val85Ala; replaces valine 85 with alanine.
Molecular consequence: missense variant.
Genome position (GRCh38, 1-based): chr11:74,457,310, A>G on the plus strand (T>C on the coding strand, the complement: KCNE3 is on the minus strand). VCF-style: chr11-74457310-A-G. GRCh37 (hg19) VCF-style: chr11-74168355-A-G.
Other names: short protein forms V85A.
Identifiers: ClinVar variation 1947646 (VCV001947646.6), dbSNP rs2496084561, ClinGen allele CA381973751.